The following is an entry in ClinVar:

NM_000275.3(OCA2):c.1001C>T (p.Ala334Val)

Gene: OCA2 (OCA2 melanosomal transmembrane protein; minus strand). Cytogenetic location: 15q13.1.
Variant type: single nucleotide variant.
Coding change: c.1001C>T on transcript NM_000275.3 (MANE Select); coding-DNA position 1001, C replaced by T.
Protein change: p.Ala334Val; replaces alanine 334 with valine.
Molecular consequence: missense variant.
Genome position (GRCh38, 1-based): chr15:28,014,819, G>A on the plus strand (C>T on the coding strand, the complement: OCA2 is on the minus strand). VCF-style: chr15-28014819-G-A. GRCh37 (hg19) VCF-style: chr15-28259965-G-A.
Other names: c.1001C>T (NM_000275.2); c.1001C>T, p.Ala334Val (NM_001300984.2); short protein forms A334V.
Identifiers: ClinVar variation 958 (VCV000000958.18), dbSNP rs121918168, ClinGen allele CA251637.

ClinVar aggregate classification (germline): Pathogenic/Likely pathogenic. Review status: criteria provided, multiple submitters, no conflicts (2 of 4 stars). 10 submissions from 10 submitters: Pathogenic (8); Likely pathogenic (1). 1 of the submissions does not count toward it. Last evaluated 2026-02-18.

Conditions:
OCA2-related disorder. Also called: OCA2-related condition.
SKIN/HAIR/EYE PIGMENTATION 1, BLUE/NONBLUE EYES (SHEP1). Also called: BROWN EYE COLOR 2; SKIN/HAIR/EYE PIGMENTATION 1, BLOND/BROWN HAIR; SKIN/HAIR/EYE PIGMENTATION 1, BLUE/BROWN EYES; EYE COLOR 3; EYE COLOR, BLUE/NONBLUE; EYE COLOR, BROWN/BLUE. Identifiers: MedGen C1856895, OMIM 227220.
Tyrosinase-positive oculocutaneous albinism (OCA2). Also called: ALBINISM II; Albinism, oculocutaneous, type II; Oculocutaneous albinism type 2. Identifiers: Orphanet 79432, MedGen C0268495, MONDO:0008746, OMIM 203200.

Allele frequency attached by ClinVar (database versions not stated): gnomAD exomes 0.00001; gnomAD 0.00001; TOPMed 0.00001.
gnomAD v4.1: 16 of 1,613,900 alleles (0.00099%); highest among the groups gnomAD compares: South Asian, 0.0022%; no homozygotes.

Submissions (10):

GeneDx
Classification: Pathogenic. Last evaluated: 2026-02-18. Review status: criteria provided, single submitter. Criteria: GeneDx Variant Classification Process June 2021. Collection method: clinical testing. Allele origin: germline.
Comment: In silico analysis supports that this missense variant has a deleterious effect on protein structure/function; This variant is associated with the following publications: (PMID: Vijayalakshmi2016[Computational], 39843441, 10649493, 23824587, 26165494, 21085994, 18821858, 34838614, 29345414, 27734839, 35923705, 29437493, 36116698, 32552135, 31196117)

Labcorp Genetics (formerly Invitae), Labcorp
Classification: Pathogenic. Last evaluated: 2026-01-17. Review status: criteria provided, single submitter. Criteria: Invitae Variant Classification Sherloc (09022015). Collection method: clinical testing. Allele origin: germline.
Comment: This sequence change replaces alanine, which is neutral and non-polar, with valine, which is neutral and non-polar, at codon 334 of the OCA2 protein (p.Ala334Val). This variant is present in population databases (rs121918168, gnomAD 0.003%). This missense change has been observed in individual(s) with ocular albinism (PMID: 10649493, 29345414). In at least one individual the data is consistent with being in trans (on the opposite chromosome) from a pathogenic variant. ClinVar contains an entry for this variant (Variation ID: 958). Invitae Evidence Modeling of protein sequence and biophysical properties (such as structural, functional, and spatial information, amino acid conservation, physicochemical variation, residue mobility, and thermodynamic stability) indicates that this missense variant is expected to disrupt OCA2 protein function with a positive predictive value of 80%. For these reasons, this variant has been classified as Pathogenic.

3billion
Classification: Pathogenic for Tyrosinase-positive oculocutaneous albinism. Last evaluated: 2024-08-01. Review status: criteria provided, single submitter. Criteria: ACMG Guidelines, 2015. Collection method: clinical testing. Allele origin: germline. Affected: yes.
Comment: The variant is observed at an extremely low frequency in the gnomAD v4.0.0 dataset (total allele frequency: <0.001%). Predicted Consequence/Location: Missense variant In silico tool predictions suggest damaging effect of the variant on gene or gene product [REVEL: 0.74 (>=0.6, sensitivity 0.68 and specificity 0.92); 3Cnet: 0.35 (>=0.6, sensitivity 0.72 and precision 0.9)]. The same nucleotide change resulting in the same amino acid change has been previously reported as pathogenic/likely pathogenic with strong evidence (ClinVar ID: VCV000000958 /PMID: 10649493 /3billion dataset). A different missense change at the same codon (p.Ala334Thr) has been reported as pathogenic/likely pathogenic with strong evidence (ClinVar ID: VCV000522150). Therefore, this variant is classified as Pathogenic according to the recommendation of ACMG/AMP guideline.

Baylor Genetics
Classification: Pathogenic for SKIN/HAIR/EYE PIGMENTATION 1, BLUE/NONBLUE EYES. Last evaluated: 2024-03-04. Review status: criteria provided, single submitter. Criteria: ACMG Guidelines, 2015. Collection method: clinical testing. Allele origin: unknown.

Revvity Omics, Revvity
Classification: Pathogenic. Last evaluated: 2024-02-09. Review status: criteria provided, single submitter. Criteria: ACMG Guidelines, 2015. Collection method: clinical testing. Allele origin: germline.

Centre for Human Genetics, University of Kinshasa
Classification: Pathogenic for Tyrosinase-positive oculocutaneous albinism. Last evaluated: 2022-08-06. Review status: criteria provided, single submitter. Criteria: ACMG Guidelines, 2015. Collection method: clinical testing. Allele origin: germline. Inheritance: Autosomal recessive inheritance. Affected: yes. Observed: 1 variant allele.
Comment: This missense variant replaces a conserved Alanine residue with a Valine. This change is predicted damaging by the vast majority of prediction algorithms. This variant is very rare with no homozygous in gnomAD (AF: 0.00000797), was submited in ClinVar by multiple submitters without conflicting interpretation (VCV000000958.3), and is mentioned in at least two publications (PMID: 29345414‚ PMID: 10649493). Segregation analysis was not performed to unequivocally establish co-segregation with the 2.7 deletion. This variant was classified as pathogenic according to the ACMG guidelines.

Blueprint Genetics
Classification: Likely pathogenic for OCA2-related disorders. Last evaluated: 2021-05-12. Review status: criteria provided, single submitter. Criteria: ACMG Guidelines, 2015. Collection method: clinical testing. Allele origin: germline. Affected: yes. Observed: 5 variant alleles.

Clinical Genetics Service, Universitary Hospital 12 de Octubre
Classification: Pathogenic for Tyrosinase-positive oculocutaneous albinism. Review status: criteria provided, single submitter. Criteria: ACMG Guidelines, 2015. Collection method: clinical testing. Allele origin: germline. Affected: yes.

Juno Genomics, Hangzhou Juno Genomics, Inc
Classification: Pathogenic for SKIN/HAIR/EYE PIGMENTATION 1, BLUE/NONBLUE EYES; Tyrosinase-positive oculocutaneous albinism. Review status: criteria provided, single submitter. Criteria: ACMG Guidelines, 2015. Collection method: clinical testing. Allele origin: germline. Affected: yes.
Comment: Absent from controls (or at extremely low frequency if recessive) in Genome Aggregation Database, Exome Sequencing Project, 1000 Genomes Project, or Exome Aggregation Consortium.;Multiple lines of computational evidence support a deleterious effect on the gene or gene product (conservation, evolutionary, splicing impact, etc).;For recessive disorders, detected in trans with a pathogenic variant.;Patient's phenotype or family history is highly specific for a disease with a single genetic etiology.

OMIM
Classification: Pathogenic for ALBINISM, OCULOCUTANEOUS, TYPE II. Last evaluated: 2000-01-01. Review status: no assertion criteria provided. Collection method: literature only. Allele origin: germline. Not counted in ClinVar's aggregate classification.

Literature cited by the submitters: PubMed 10649493 (cited by 4 submitters); PubMed 29345414 (cited by Labcorp Genetics (formerly Invitae), Labcorp and Centre for Human Genetics, University of Kinshasa).